The following is an entry in ClinVar:

NM_002739.5(PRKCG):c.356C>T (p.Ser119Phe)

Gene: PRKCG (protein kinase C gamma; plus strand). Cytogenetic location: 19q13.42.
Variant type: single nucleotide variant.
Coding change: c.356C>T on transcript NM_002739.5 (MANE Select); coding-DNA position 356, C replaced by T.
Protein change: p.Ser119Phe; replaces serine 119 with phenylalanine.
Molecular consequence: missense variant.
Genome position (GRCh38, 1-based): chr19:53,889,708, C>T. VCF-style: chr19-53889708-C-T. GRCh37 (hg19) VCF-style: chr19-54392962-C-T.
Other names: c.356c>t; c.356C>T (LRG_669t1); c.356C>T, p.Ser119Phe (NM_001316329.2); short protein forms S119F.
Identifiers: ClinVar variation 42163 (VCV000042163.4), dbSNP rs386134163, ClinGen allele CA344624.

ClinVar aggregate classification (germline): Pathogenic. Review status: criteria provided, single submitter (1 of 4 stars). 2 submissions from 2 submitters: Pathogenic (1). 1 of the submissions does not count toward it. Last evaluated 2024-05-09.

Conditions:
Spinocerebellar ataxia type 14 (SCA14). Identifiers: Orphanet 98763, MedGen C1854369, MONDO:0011540, OMIM 605361.

Submissions (2):

Athena Diagnostics
Classification: Pathogenic. Last evaluated: 2024-05-09. Review status: criteria provided, single submitter. Criteria: Athena Diagnostics Criteria. Collection method: clinical testing. Allele origin: unknown.
Comment: This variant has not been reported in large, multi-ethnic general populations. Assessment of experimental evidence suggests this variant results in abnormal protein function. (PMID: 15964845, 18005063, 19561170, 24744737)

GeneReviews
Classification: Pathogenic for Spinocerebellar Ataxia Type14. Last evaluated: 2013-04-18. Review status: no assertion criteria provided. Collection method: curation. Allele origin: unknown. Not counted in ClinVar's aggregate classification.
ClinVar note: Converted during submission from pathologic to Pathogenic.

Literature cited by the submitters: PubMed 19561170 (cited by Athena Diagnostics); PubMed 16763984 (cited by Athena Diagnostics); PubMed 15964845 (cited by Athena Diagnostics); PubMed 24744737 (cited by Athena Diagnostics); PubMed 18005063 (cited by Athena Diagnostics).